The following is an entry in ClinVar:

NM_013266.4(CTNNA3):c.2584G>A (p.Glu862Lys)

Gene: CTNNA3 (catenin alpha 3; minus strand). Cytogenetic location: 10q21.3.
Variant type: single nucleotide variant.
Coding change: c.2584G>A on transcript NM_013266.4 (MANE Select); coding-DNA position 2584, G replaced by A.
Protein change: p.Glu862Lys; replaces glutamic acid 862 with lysine.
Molecular consequence: missense variant.
Genome position (GRCh38, 1-based): chr10:65,920,434, C>T on the plus strand (G>A on the coding strand, the complement: CTNNA3 is on the minus strand). VCF-style: chr10-65920434-C-T. GRCh37 (hg19) VCF-style: chr10-67680192-C-T.
Other names: c.2584G>A, p.Glu862Lys (NM_001127384.3); short protein forms E862K.
Identifiers: ClinVar variation 2151084 (VCV002151084.4), dbSNP rs1956858363, ClinGen allele CA377088801.

ClinVar aggregate classification (germline): Uncertain significance (1 of 4 stars; one submission).

Conditions:
Arrhythmogenic right ventricular dysplasia 13. Also called: ARRHYTHMOGENIC RIGHT VENTRICULAR CARDIOMYOPATHY 13; Arrhythmogenic right ventricular dysplasia, familial, 13. Identifiers: MedGen C3810138, MONDO:0000908, OMIM 615616.

Allele frequency attached by ClinVar (database versions not stated): gnomAD exomes below 0.00001.
gnomAD v4.1: 1 of 1,614,144 alleles (0.000062%); highest among the groups gnomAD compares: Non-Finnish European, 0.000085%; no homozygotes.

Submission:

Labcorp Genetics (formerly Invitae), Labcorp
Classification: Uncertain significance for Arrhythmogenic right ventricular dysplasia 13. Last evaluated: 2022-04-22. Review status: criteria provided, single submitter. Criteria: Invitae Variant Classification Sherloc (09022015). Collection method: clinical testing. Allele origin: germline.
Comment: This sequence change replaces glutamic acid, which is acidic and polar, with lysine, which is basic and polar, at codon 862 of the CTNNA3 protein (p.Glu862Lys). This variant is not present in population databases (gnomAD no frequency). This variant has not been reported in the literature in individuals affected with CTNNA3-related conditions. Algorithms developed to predict the effect of missense changes on protein structure and function are either unavailable or do not agree on the potential impact of this missense change (SIFT: "Deleterious"; PolyPhen-2: "Not Available"; Align-GVGD: "Class C0"). In summary, the available evidence is currently insufficient to determine the role of this variant in disease. Therefore, it has been classified as a Variant of Uncertain Significance.